The following is an entry in ClinVar:

NM_015335.5(MED13L):c.2281C>A (p.His761Asn)

Gene: MED13L (mediator complex subunit 13L; minus strand). Cytogenetic location: 12q24.21.
Variant type: single nucleotide variant.
Coding change: c.2281C>A on transcript NM_015335.5 (MANE Select); coding-DNA position 2281, C replaced by A.
Protein change: p.His761Asn; replaces histidine 761 with asparagine.
Molecular consequence: missense variant.
Genome position (GRCh38, 1-based): chr12:116,006,369, G>T on the plus strand (C>A on the coding strand, the complement: MED13L is on the minus strand). VCF-style: chr12-116006369-G-T. GRCh37 (hg19) VCF-style: chr12-116444174-G-T.
Other names: short protein forms H761N.
Identifiers: ClinVar variation 1712067 (VCV001712067.2), dbSNP rs2499901614, ClinGen allele CA386893579.

ClinVar aggregate classification (germline): Likely pathogenic (1 of 4 stars; one submission).

Submission:

GeneDx
Classification: Likely pathogenic. Last evaluated: 2022-04-24. Review status: criteria provided, single submitter. Criteria: GeneDx Variant Classification Process June 2021. Collection method: clinical testing. Allele origin: germline. Affected: yes.
Comment: Not observed at significant frequency in large population cohorts (gnomAD); In silico analysis supports that this missense variant does not alter protein structure/function; In silico analysis, which includes splice predictors and evolutionary conservation, suggests this variant may impact gene splicing. In the absence of RNA/functional studies, the actual effect of this sequence change is unknown.; Has not been previously published as pathogenic or benign to our knowledge